The following is an entry in ClinVar:

ClinVar aggregate classification (germline): Benign. Review status: criteria provided, multiple submitters, no conflicts (2 of 4 stars). 4 submissions from 3 submitters: Benign (4). Last evaluated 2018-11-12.

Conditions:
Liddle syndrome 2. Identifiers: MedGen C4748251, MONDO:0020854, OMIM 618114.
Pseudohypoaldosteronism, type IB1, autosomal recessive. Also called: Pseudohypoaldosteronism, Type I, Autosomal Recessive; PHA I, AUTOSOMAL RECESSIVE; Pseudohypoaldosteronism, Type I, Recessive; Autosomal recessive pseudohypoaldosteronism type 1. Identifiers: Orphanet 171876, Orphanet 756, MedGen C5774176, MONDO:0009917, OMIM 264350.

Allele frequency attached by ClinVar (database versions not stated): 1000 Genomes Project 0.19688; 1000 Genomes Project 30x 0.19691; ESP Exome Variant Server 0.20394; gnomAD 0.20459 and 0.20649; TOPMed 0.21105; gnomAD exomes 0.23287 and 0.24270; ExAC 0.23780.
gnomAD v4.1: 371,104 of 1,610,944 alleles (23%); highest among the groups gnomAD compares: Admixed American, 37%; 44,618 homozygotes.

Submissions (4):

GeneDx
Classification: Benign. Last evaluated: 2018-11-12. Review status: criteria provided, single submitter. Criteria: GeneDx Variant Classification Process June 2021. Collection method: clinical testing. Allele origin: germline. Affected: yes.

Illumina Laboratory Services, Illumina
Classification: Benign for Pseudohypoaldosteronism, type IB1, autosomal recessive. Last evaluated: 2018-01-13. Review status: criteria provided, single submitter. Criteria: ICSL Variant Classification Criteria 13 December 2019. Collection method: clinical testing. Allele origin: germline.
Comment: This variant was observed in the ICSL laboratory as part of a predisposition screen in an ostensibly healthy population. It had not been previously curated by ICSL or reported in the Human Gene Mutation Database (HGMD: prior to June 1st, 2018), and was therefore a candidate for classification through an automated scoring system. Utilizing variant allele frequency, disease prevalence and penetrance estimates, and inheritance mode, an automated score was calculated to assess if this variant is too frequent to cause the disease. Based on the score and internal cut-off values, a variant classified as benign is not then subjected to further curation. The score for this variant resulted in a classification of benign for this disease.

Illumina Laboratory Services, Illumina
Classification: Benign for Liddle syndrome 2. Last evaluated: 2018-01-13. Review status: criteria provided, single submitter. Criteria: ICSL Variant Classification Criteria 13 December 2019. Collection method: clinical testing. Allele origin: germline.
Comment: the same text as in the submission from Illumina Laboratory Services, Illumina above.

Breakthrough Genomics
Classification: Benign. Review status: criteria provided, single submitter. Criteria: ACMG Guidelines, 2015. Collection method: not provided. Allele origin: germline. Inheritance: Autosomal dominant inheritance. Affected: yes.

NM_001039.4(SCNN1G):c.-31A>G

Gene: SCNN1G (sodium channel epithelial 1 subunit gamma; plus strand). Cytogenetic location: 16p12.2.
Variant type: single nucleotide variant.
Coding change: c.-31A>G on transcript NM_001039.4 (MANE Select); 31 bases upstream of the start codon, A replaced by G.
Molecular consequence: 5 prime UTR variant.
Genome position (GRCh38, 1-based): chr16:23,186,241, A>G. VCF-style: chr16-23186241-A-G. GRCh37 (hg19) VCF-style: chr16-23197562-A-G.
Identifiers: ClinVar variation 318344 (VCV000318344.8), dbSNP rs5732, ClinGen allele CA7959463.